The following is an entry in ClinVar:

NM_000075.4(CDK4):c.405C>T (p.Cys135=)

Gene: CDK4 (cyclin dependent kinase 4; minus strand). Cytogenetic location: 12q14.1.
Variant type: single nucleotide variant.
Coding change: c.405C>T on transcript NM_000075.4 (MANE Select); coding-DNA position 405, C replaced by T.
Protein change: p.Cys135=; no amino-acid change (cysteine 135 retained).
Molecular consequence: synonymous variant.
Genome position (GRCh38, 1-based): chr12:57,751,040, G>A on the plus strand (C>T on the coding strand, the complement: CDK4 is on the minus strand). VCF-style: chr12-57751040-G-A. GRCh37 (hg19) VCF-style: chr12-58144823-G-A.
Identifiers: ClinVar variation 1737455 (VCV001737455.3), dbSNP rs2140386659, ClinGen allele CA480404529.

ClinVar aggregate classification (germline): Benign/Likely benign. Review status: criteria provided, multiple submitters, no conflicts (2 of 4 stars). 2 submissions from 2 submitters: Benign (1); Likely benign (1). Last evaluated 2024-09-25.

Conditions:
Hereditary cancer-predisposing syndrome. Also called: Neoplastic Syndromes, Hereditary; Tumor predisposition; Hereditary Cancer Syndrome; Hereditary neoplastic syndrome. Identifiers: Orphanet 140162, MedGen C0027672, MeSH D009386, MONDO:0015356.
Melanoma, cutaneous malignant, susceptibility to, 3. Also called: Cutaneous malignant melanoma 3. Identifiers: Orphanet 618, MedGen C1836892, MONDO:0012183, OMIM 609048.

Submissions (2):

Myriad Genetics, Inc.
Classification: Benign for Melanoma, cutaneous malignant, susceptibility to, 3. Last evaluated: 2024-09-25. Review status: criteria provided, single submitter. Criteria: Myriad Autosomal Dominant, Autosomal Recessive and X-Linked Classification Criteria (2023). Collection method: clinical testing. Allele origin: unknown.
Comment: This variant is considered benign. This variant is a silent/synonymous amino acid change and it is not expected to impact splicing.

Ambry Genetics
Classification: Likely benign for Hereditary cancer-predisposing syndrome. Last evaluated: 2020-06-03. Review status: criteria provided, single submitter. Criteria: Ambry Variant Classification Scheme 2023. Collection method: clinical testing. Allele origin: germline.